The following is an entry in ClinVar:

ClinVar aggregate classification (germline): Conflicting classifications of pathogenicity. Review status: criteria provided, conflicting classifications (1 of 4 stars). 4 submissions from 4 submitters: Uncertain significance (2); Likely benign (2). Last evaluated 2025-09-30.

Conditions:
Cone-rod dystrophy 7 (CORD7). Identifiers: Orphanet 1872, MedGen C1863634, MONDO:0011355, OMIM 603649.

Allele frequency attached by ClinVar (database versions not stated): gnomAD 0.00005; gnomAD exomes 0.00009 and 0.00014; TOPMed 0.00010; ExAC 0.00011.
gnomAD v4.1: 201 of 1,594,652 alleles (0.013%); highest among the groups gnomAD compares: Non-Finnish European, 0.016%; no homozygotes.

Submissions (4):

Labcorp Genetics (formerly Invitae), Labcorp
Classification: Uncertain significance. Last evaluated: 2025-09-30. Review status: criteria provided, single submitter. Criteria: Invitae Variant Classification Sherloc (09022015). Collection method: clinical testing. Allele origin: germline.
Comment: This sequence change replaces glycine, which is neutral and non-polar, with arginine, which is basic and polar, at codon 276 of the RIMS1 protein (p.Gly276Arg). This variant is present in population databases (rs757160554, gnomAD 0.02%). This variant has not been reported in the literature in individuals affected with RIMS1-related conditions. ClinVar contains an entry for this variant (Variation ID: 862711). An algorithm developed to predict the effect of missense changes on protein structure and function (PolyPhen-2) suggests that this variant is likely to be tolerated. In summary, the available evidence is currently insufficient to determine the role of this variant in disease. Therefore, it has been classified as a Variant of Uncertain Significance.

Ambry Genetics
Classification: Uncertain significance. Last evaluated: 2022-11-17. Review status: criteria provided, single submitter. Criteria: Ambry Variant Classification Scheme 2023. Collection method: clinical testing. Allele origin: germline.

Blueprint Genetics
Classification: Likely benign. Last evaluated: 2022-03-18. Review status: criteria provided, single submitter. Criteria: ACMG Guidelines, 2015. Collection method: clinical testing. Allele origin: germline.

Illumina Laboratory Services, Illumina
Classification: Likely benign for Cone-rod dystrophy 7. Last evaluated: 2018-01-12. Review status: criteria provided, single submitter. Criteria: ICSL Variant Classification Criteria 13 December 2019. Collection method: clinical testing. Allele origin: germline.
Comment: This variant was observed in the ICSL laboratory as part of a predisposition screen in an ostensibly healthy population. It had not been previously curated by ICSL or reported in the Human Gene Mutation Database (HGMD: prior to June 1st, 2018), and was therefore a candidate for classification through an automated scoring system. Utilizing variant allele frequency, disease prevalence and penetrance estimates, and inheritance mode, an automated score was calculated to assess if this variant is too frequent to cause the disease. Based on the score and internal cut-off values, a variant classified as likely benign is not then subjected to further curation. The score for this variant resulted in a classification of likely benign for this disease.

NM_014989.7(RIMS1):c.826G>A (p.Gly276Arg)

Gene: RIMS1 (regulating synaptic membrane exocytosis 1; plus strand). Cytogenetic location: 6q13.
Variant type: single nucleotide variant.
Coding change: c.826G>A on transcript NM_014989.7 (MANE Select); coding-DNA position 826, G replaced by A.
Protein change: p.Gly276Arg; replaces glycine 276 with arginine.
Molecular consequence: missense variant.
Genome position (GRCh38, 1-based): chr6:72,182,297, G>A. VCF-style: chr6-72182297-G-A. GRCh37 (hg19) VCF-style: chr6-72892000-G-A.
Other names: c.826G>A (NM_014989.4); short protein forms G276R.
Identifiers: ClinVar variation 862711 (VCV000862711.13), dbSNP rs757160554, ClinGen allele CA3885601.
Genomic context (GRCh38, chr6:72,182,297, plus strand): 5'-CTAGTCTTTATAAATTGCTCTCCTTGACGTTCCTTTGTATATCATAGAAAGAAGACCCCA[G>A]GGCTTTCCGAGCAGAATGGCAAAGGAGCCCTGAAGAGCGAGCGGAAACGCGTGCCAAAGA-3'
Protein context (NP_055804.2, residues 266-286): EPPRERKKTP[Gly276Arg]LSEQNGKGAL